The following is an entry in ClinVar:

NM_002397.5(MEF2C):c.71G>A (p.Arg24Lys)

Gene: MEF2C (myocyte enhancer factor 2C; minus strand). Cytogenetic location: 5q14.3.
Variant type: single nucleotide variant.
Coding change: c.71G>A on transcript NM_002397.5 (MANE Select); coding-DNA position 71, G replaced by A.
Protein change: p.Arg24Lys; replaces arginine 24 with lysine.
Molecular consequence: missense variant.
Genome position (GRCh38, 1-based): chr5:88,804,785, C>T on the plus strand (G>A on the coding strand, the complement: MEF2C is on the minus strand). VCF-style: chr5-88804785-C-T. GRCh37 (hg19) VCF-style: chr5-88100602-C-T.
Other names: c.71G>A, p.Arg24Lys (NM_001131005.2, NM_001193347.1, NM_001193348.1 and 29 more transcripts); short protein forms R24K.
Identifiers: ClinVar variation 224136 (VCV000224136.11), dbSNP rs869312698, ClinGen allele CA358360.

ClinVar aggregate classification (germline): Pathogenic/Likely pathogenic. Review status: criteria provided, multiple submitters, no conflicts (2 of 4 stars). 2 submissions from 2 submitters: Pathogenic (1); Likely pathogenic (1). Last evaluated 2019-02-04.

Conditions:
Neurodevelopmental disorder with hypotonia, stereotypic hand movements, and impaired language. Also called: Intellectual disability, autosomal dominant 20. Identifiers: Orphanet 228384, Orphanet 664410, MedGen C3150700, MONDO:0013266, OMIM 613443.

Submissions (2):

Labcorp Genetics (formerly Invitae), Labcorp
Classification: Likely pathogenic for Neurodevelopmental disorder with hypotonia, stereotypic hand movements, and impaired language. Last evaluated: 2019-02-04. Review status: criteria provided, single submitter. Criteria: Invitae Variant Classification Sherloc (09022015). Collection method: clinical testing. Allele origin: germline.
Comment: This variant has been observed to be de novo in an individual affected with MEF2C-related disease (PMID: 28554332). ClinVar contains an entry for this variant (Variation ID: 224136). Algorithms developed to predict the effect of missense changes on protein structure and function are either unavailable or do not agree on the potential impact of this missense change (SIFT: "Deleterious"; PolyPhen-2: "Probably Damaging"; Align-GVGD: "Class C0"). In summary, the currently available evidence indicates that the variant is pathogenic, but additional data are needed to prove that conclusively. Therefore, this variant has been classified as Likely Pathogenic. This variant is not present in population databases (ExAC no frequency). This sequence change replaces arginine with lysine at codon 24 of the MEF2C protein (p.Arg24Lys). The arginine residue is highly conserved and there is a small physicochemical difference between arginine and lysine.

HudsonAlpha Institute for Biotechnology
Classification: Pathogenic for Neurodevelopmental disorder with hypotonia, stereotypic hand movements, and impaired language. Last evaluated: 2015-08-07. Review status: criteria provided, single submitter. Criteria: HA_assertions_20161101. Collection method: research. Allele origin: de novo. Affected: yes. Study: CSER-HudsonAlpha.

Literature cited by the submitters: PubMed 28554332 (cited by Labcorp Genetics (formerly Invitae), Labcorp).